The following is an entry in ClinVar:

ClinVar aggregate classification (germline): Likely benign (0 of 4 stars; one submission).

Conditions:
SHANK2-related disorder.

Allele frequency attached by ClinVar (database versions not stated): ExAC 0.00025; gnomAD exomes 0.00010; 1000 Genomes Project 30x 0.00031; 1000 Genomes Project 0.00040; TOPMed 0.00009; gnomAD 0.00021.
gnomAD v4.1: 176 of 1,550,708 alleles (0.011%); highest among the groups gnomAD compares: East Asian, 0.26%; no homozygotes.

Submission:

PreventionGenetics, part of Exact Sciences
Classification: Likely benign for SHANK2-related condition. Last evaluated: 2020-03-18. Review status: no assertion criteria provided. Collection method: clinical testing. Allele origin: germline.
Comment: This variant is classified as likely benign based on ACMG/AMP sequence variant interpretation guidelines (Richards et al. 2015 PMID: 25741868, with internal and published modifications).

NM_012309.5(SHANK2):c.135C>T (p.Gly45=)

Gene: SHANK2 (SH3 and multiple ankyrin repeat domains 2; minus strand). Cytogenetic location: 11q13.4.
Variant type: single nucleotide variant.
Coding change: c.135C>T on transcript NM_012309.5 (MANE Select); coding-DNA position 135, C replaced by T.
Protein change: p.Gly45=; no amino-acid change (glycine 45 retained).
Molecular consequence: synonymous variant.
Genome position (GRCh38, 1-based): chr11:71,147,192, G>A on the plus strand (C>T on the coding strand, the complement: SHANK2 is on the minus strand). VCF-style: chr11-71147192-G-A. GRCh37 (hg19) VCF-style: chr11-70858238-G-A.
Identifiers: ClinVar variation 3047862 (VCV003047862.2), dbSNP rs536469118, ClinGen allele CA6162176.